The following is an entry in ClinVar:

NM_003376.6(VEGFA):c.1182G>A (p.Arg394=)

Gene: VEGFA (vascular endothelial growth factor A; plus strand). Cytogenetic location: 6p21.1.
Variant type: single nucleotide variant.
Coding change: c.1182G>A on transcript NM_003376.6 (MANE Select); coding-DNA position 1182, G replaced by A.
Protein change: p.Arg394=; no amino-acid change (arginine 394 retained).
Molecular consequence: synonymous variant. On other transcripts: 3 prime UTR variant (2), intron variant (2).
Genome position (GRCh38, 1-based): chr6:43,784,556, G>A. VCF-style: chr6-43784556-G-A. GRCh37 (hg19) VCF-style: chr6-43752293-G-A.
Other names: c.1233G>A, p.Arg411= (NM_001025366.3); c.1164G>A, p.Arg388= (NM_001025367.3); c.1110G>A, p.Arg370= (NM_001025368.3); c.*10G>A (NM_001025369.3, NM_001171627.2); c.978G>A, p.Arg326= (NM_001025370.3); c.948G>A, p.Arg316= (NM_001171622.2); c.693G>A, p.Arg231= (NM_001171623.2); c.642G>A, p.Arg214= (NM_001171624.2); and 9 more.
Identifiers: ClinVar variation 2656612 (VCV002656612.24), dbSNP rs144772480, ClinGen allele CA3829187.
Genomic context (GRCh38, chr6:43,784,556, plus strand): 5'-CCTCACTTGGCCCTAACCCCAGCCTTTGTTTTCCATTTCCCTCAGATGTGACAAGCCGAG[G>A]CGGTGAGCCGGGCAGGAGGAAGGAGCCTCCCTCAGGGTTTCGGGAACCAGATCTCTCACC-3'
Protein context (NP_003367.4, residues 384-395): NERTCRCDKP[Arg394=]R

ClinVar aggregate classification (germline): Likely benign. Review status: criteria provided, single submitter (1 of 4 stars). 2 submissions from 2 submitters: Likely benign (1). 1 of the submissions does not count toward it. Last evaluated 2022-05-01.

Conditions:
VEGFA-related disorder. Also called: VEGFA-related condition.

Allele frequency attached by ClinVar (database versions not stated): gnomAD 0.00017; gnomAD exomes 0.00021; TOPMed 0.00022; ExAC 0.00027; ESP Exome Variant Server 0.00038.
gnomAD v4.1: 335 of 1,614,100 alleles (0.021%); highest among the groups gnomAD compares: Non-Finnish European, 0.026%; no homozygotes.

Submissions (2):

CeGaT Center for Human Genetics Tuebingen
Classification: Likely benign. Last evaluated: 2022-05-01. Review status: criteria provided, single submitter. Criteria: CeGaT Center For Human Genetics Tuebingen Variant Classification Criteria Version 2. Collection method: clinical testing. Allele origin: germline. Affected: yes. Observed: 1 variant allele.
Comment: VEGFA: BP4, BP7

PreventionGenetics, part of Exact Sciences
Classification: Likely benign for VEGFA-related condition. Last evaluated: 2022-07-19. Review status: no assertion criteria provided. Collection method: clinical testing. Allele origin: germline. Not counted in ClinVar's aggregate classification.
Comment: This variant is classified as likely benign based on ACMG/AMP sequence variant interpretation guidelines (Richards et al. 2015 PMID: 25741868, with internal and published modifications).